The following is an entry in ClinVar:

NM_001319074.4(RAX2):c.244T>A (p.Trp82Arg)

Gene: RAX2 (retina and anterior neural fold homeobox 2; minus strand). Cytogenetic location: 19p13.3.
Variant type: single nucleotide variant.
Coding change: c.244T>A on transcript NM_001319074.4 (MANE Select); coding-DNA position 244, T replaced by A.
Protein change: p.Trp82Arg; replaces tryptophan 82 with arginine.
Molecular consequence: missense variant.
Genome position (GRCh38, 1-based): chr19:3,770,932, A>T on the plus strand (T>A on the coding strand, the complement: RAX2 is on the minus strand). VCF-style: chr19-3770932-A-T. GRCh37 (hg19) VCF-style: chr19-3770930-A-T.
Other names: c.244T>A, p.Trp82Arg (NM_032753.4); short protein forms W82R.
Identifiers: ClinVar variation 2106542 (VCV002106542.4), dbSNP rs2037251197, ClinGen allele CA403375099.
Genomic context (GRCh38, chr19:3,770,932, plus strand): 5'-CGGGGAGTCTCGGAGCTGCCACGGCACCCGAGCCTGACTCCAGCCGCTCCTGGCGGCGCC[A>T]CTTGGCCCGGCGGTTCTGGAACCACACCTGGAGGGTGCGAGAGGGAAGGGGGGTTGCTGT-3'
Protein context (NP_001306003.2, residues 72-92): QVWFQNRRAK[Trp82Arg]RRQERLESGS

ClinVar aggregate classification (germline): Uncertain significance (1 of 4 stars; one submission).

Submission:

Labcorp Genetics (formerly Invitae), Labcorp
Classification: Uncertain significance. Last evaluated: 2022-03-04. Review status: criteria provided, single submitter. Criteria: Invitae Variant Classification Sherloc (09022015). Collection method: clinical testing. Allele origin: germline.
Comment: In summary, the available evidence is currently insufficient to determine the role of this variant in disease. Therefore, it has been classified as a Variant of Uncertain Significance. Algorithms developed to predict the effect of missense changes on protein structure and function (SIFT, PolyPhen-2, Align-GVGD) all suggest that this variant is likely to be disruptive. This variant has not been reported in the literature in individuals affected with RAX2-related conditions. This variant is not present in population databases (gnomAD no frequency). This sequence change replaces tryptophan, which is neutral and slightly polar, with arginine, which is basic and polar, at codon 82 of the RAX2 protein (p.Trp82Arg).